The following is an entry in ClinVar:

NM_173495.3(PTCHD1):c.963del (p.Gly322fs)

Gene: PTCHD1 (patched domain containing 1; plus strand). Cytogenetic location: Xp22.11.
Variant type: Deletion.
Coding change: c.963del on transcript NM_173495.3 (MANE Select); coding-DNA position 963, one base deleted (T; older notation c.963delT).
Protein change: p.Gly322fs; shifts the reading frame from glycine 322.
Molecular consequence: frameshift variant.
Genome position (GRCh38, 1-based): chrX:23,380,202, T deleted. VCF-style (leftmost placement, unchanged base first): chrX-23380201-CT-C. GRCh37 (hg19) VCF-style: chrX-23398318-CT-C.
Other names: short protein forms G322fs.
Identifiers: ClinVar variation 1767638 (VCV001767638.2), dbSNP rs2518760233, ClinGen allele CA2580100496.
Genomic context (GRCh38, chrX:23,380,201, plus strand): 5'-TGCTCGGATTGGTGACCATAAGCCTGGCCACTCTCACTGCAGCCGGGATCATCAATCTTA[CT>C]GGTGGGAAATATAATTCCACCTTCCTGGGAGTCCCTTTCGTCATGCTAGGTAATTACTAC-3'

ClinVar aggregate classification (germline): Likely pathogenic (1 of 4 stars; one submission).

Conditions:
Inborn genetic diseases. Identifiers: MedGen C0950123, MeSH D030342.

Submission:

Ambry Genetics
Classification: Likely pathogenic for Inborn genetic diseases. Last evaluated: 2019-03-28. Review status: criteria provided, single submitter. Criteria: Ambry Variant Classification Scheme 2023. Collection method: clinical testing. Allele origin: germline.
Comment: The c.963delT variant, located in coding exon 2 of the PTCHD1 gene, results from a deletion of one nucleotide at nucleotide position 963, causing a translational frameshift with a predicted alternate stop codon (p.G322Vfs*16). Frameshifts are typically deleterious in nature, however, this frameshift occurs at the 3' terminus of PTCHD1, is not expected to trigger nonsense-mediated mRNA decay, and impacts the last 567 amino acids of the protein. The exact functional impact of these altered amino acids is unknown at this time; however, based on internal structural analysis, this variant is anticipated to disrupt a region of known function (Wells MF et al. Nature, 2016 Apr;532:58-63; Fleet AJ et al. J. Biol. Chem., 2018 10;293:16583-16595; Tora D et al. J. Neurosci., 2017 12;37:11993-12005). Based on the majority of available evidence to date, this variant is likely to be pathogenic.

Literature cited by the submitters: PubMed 27007844; PubMed 29118110; PubMed 30166346.